The following is an entry in ClinVar:

NM_014908.4(DOLK):c.931G>T (p.Ala311Ser)

Gene: DOLK (dolichol kinase; minus strand). Cytogenetic location: 9q34.11.
Variant type: single nucleotide variant.
Coding change: c.931G>T on transcript NM_014908.4 (MANE Select); coding-DNA position 931, G replaced by T.
Protein change: p.Ala311Ser; replaces alanine 311 with serine.
Molecular consequence: missense variant.
Genome position (GRCh38, 1-based): chr9:128,946,373, C>A on the plus strand (G>T on the coding strand, the complement: DOLK is on the minus strand). VCF-style: chr9-128946373-C-A. GRCh37 (hg19) VCF-style: chr9-131708652-C-A.
Other names: short protein forms A311S.
Identifiers: ClinVar variation 450442 (VCV000450442.10), dbSNP rs1554826773, ClinGen allele CA375121578.

ClinVar aggregate classification (germline): Uncertain significance. Review status: criteria provided, multiple submitters, no conflicts (2 of 4 stars). 2 submissions from 2 submitters: Uncertain significance (2). Last evaluated 2018-04-16.

Conditions:
DK1-congenital disorder of glycosylation. Also called: DOLK-congenital disorder of glycosylation; Carbohydrate deficient glycoprotein syndrome type 1m; CONGENITAL DISORDER OF GLYCOSYLATION, TYPE Im; CDG Im; DK1 DEFICIENCY; DOLICHOL KINASE DEFICIENCY. Identifiers: Orphanet 91131, MedGen C1835849, MONDO:0012556, OMIM 610768.

Submissions (2):

Labcorp Genetics (formerly Invitae), Labcorp
Classification: Uncertain significance for DK1-congenital disorder of glycosylation. Last evaluated: 2018-04-16. Review status: criteria provided, single submitter. Criteria: Invitae Variant Classification Sherloc (09022015). Collection method: clinical testing. Allele origin: germline.
Comment: In summary, the available evidence is currently insufficient to determine the role of this variant in disease. Therefore, it has been classified as a Variant of Uncertain Significance. This sequence change replaces alanine with serine at codon 311 of the DOLK protein (p.Ala311Ser). The alanine residue is moderately conserved and there is a moderate physicochemical difference between alanine and serine. This variant is not present in population databases (ExAC no frequency). This variant has not been reported in the literature in individuals with DOLK-related disease. ClinVar contains an entry for this variant (Variation ID: 450442). Algorithms developed to predict the effect of missense changes on protein structure and function do not agree on the potential impact of this missense change (SIFT: "Tolerated"; PolyPhen-2: "Probably Damaging"; Align-GVGD: "Class C0").

GeneDx
Classification: Uncertain significance. Last evaluated: 2017-07-12. Review status: criteria provided, single submitter. Criteria: GeneDx Variant Classification (06012015). Collection method: clinical testing. Allele origin: germline. Affected: yes.
Comment: A variant of uncertain significance has been identified in the DOLK gene. The A311S variant has not been published as pathogenic or been reported as benign to our knowledge. This variant is also not observed in large population cohorts (Lek et al., 2016; 1000 Genomes Consortium et al., 2015; Exome Variant Server). The A311S variant is a non-conservative amino acid substitution, which is likely to impact secondary protein structure as these residues differ in polarity, charge, size and/or other properties. Additionally, this substitution occurs at a position that is conserved across species and in silico analysis predicts this variant is probably damaging to the protein structure/function. However, additional evidence is needed to determine whether this variant is pathogenic or benign.